The following is an entry in ClinVar:

NM_001013703.4(EIF2AK4):c.4531A>G (p.Asn1511Asp)

Gene: EIF2AK4 (eukaryotic translation initiation factor 2 alpha kinase 4; plus strand). Cytogenetic location: 15q15.1.
Variant type: single nucleotide variant.
Coding change: c.4531A>G on transcript NM_001013703.4 (MANE Select); coding-DNA position 4531, A replaced by G.
Protein change: p.Asn1511Asp; replaces asparagine 1511 with aspartic acid.
Molecular consequence: missense variant.
Genome position (GRCh38, 1-based): chr15:40,029,434, A>G. VCF-style: chr15-40029434-A-G. GRCh37 (hg19) VCF-style: chr15-40321635-A-G.
Other names: short protein forms N1511D.
Identifiers: ClinVar variation 3767061 (VCV003767061.1).
Genomic context (GRCh38, chr15:40,029,434, plus strand): 5'-TTCTTTAATTGTTTTTGTTTGCTTGTTTTTAGAGAAGCTTCCGATAATCTTGCAGTGCAA[A>G]ATCTGAAGGGGTCATTTTCTAATGCTTCAGGTATAATTACTAATTATAATCTGAACATAA-3'
Protein context (NP_001013725.2, residues 1501-1521): REASDNLAVQ[Asn1511Asp]LKGSFSNASG

ClinVar aggregate classification (germline): Uncertain significance (1 of 4 stars; one submission).

Conditions:
Familial pulmonary capillary hemangiomatosis (PVOD2). Also called: Pulmonary venoocclusive disease 2; Pulmonary venoocclusive disease 2, autosomal recessive. Identifiers: Orphanet 199241, MedGen C0340848, MONDO:0009329, OMIM 234810.

Submission:

ARUP Laboratories, Molecular Genetics and Genomics, ARUP Laboratories
Classification: Uncertain significance for Familial pulmonary capillary hemangiomatosis. Last evaluated: 2024-08-02. Review status: criteria provided, single submitter. Criteria: ARUP Molecular Germline Variant Investigation Process 2024. Collection method: clinical testing. Allele origin: germline.
Comment: The EIF2AK4 c.4531A>G; p.Asn1511Asp variant, to our knowledge, is not reported in the medical literature or gene specific databases. This variant is absent from the Genome Aggregation Database (v2.1.1), indicating it is not a common polymorphism. Computational analyses predict that this variant is neutral (REVEL: 0.057). Due to limited information, the clinical significance of this variant is uncertain at this time.